The following is an entry in ClinVar:

ClinVar aggregate classification (germline): Uncertain significance. Review status: criteria provided, multiple submitters, no conflicts (2 of 4 stars). 2 submissions from 2 submitters: Uncertain significance (2). Last evaluated 2026-01-19.

Conditions:
Carnitine palmitoyltransferase II deficiency. Also called: Carnitine Palmitoyltransferase 2 Deficiency. Identifiers: Orphanet 157, MedGen C0342790, MONDO:0015515.

Allele frequency attached by ClinVar (database versions not stated): gnomAD exomes below 0.00001.

Submissions (2):

Labcorp Genetics (formerly Invitae), Labcorp
Classification: Uncertain significance for Carnitine palmitoyltransferase II deficiency. Last evaluated: 2026-01-19. Review status: criteria provided, single submitter. Criteria: Invitae Variant Classification Sherloc (09022015). Collection method: clinical testing. Allele origin: germline.
Comment: This sequence change replaces cysteine, which is neutral and slightly polar, with arginine, which is basic and polar, at codon 445 of the CPT2 protein (p.Cys445Arg). This variant is not present in population databases (gnomAD no frequency). This missense change has been observed in individual(s) with carnitine palmitoyltransferase II deficiency (PMID: 30881520). ClinVar contains an entry for this variant (Variation ID: 1446149). Invitae Evidence Modeling of protein sequence and biophysical properties (such as structural, functional, and spatial information, amino acid conservation, physicochemical variation, residue mobility, and thermodynamic stability) indicates that this missense variant is not expected to disrupt CPT2 protein function with a negative predictive value of 80%. In summary, the available evidence is currently insufficient to determine the role of this variant in disease. Therefore, it has been classified as a Variant of Uncertain Significance.

Women's Health and Genetics/Laboratory Corporation of America, LabCorp
Classification: Uncertain significance. Last evaluated: 2024-09-20. Review status: criteria provided, single submitter. Criteria: LabCorp Variant Classification Summary - May 2015. Collection method: clinical testing. Allele origin: germline.
Comment: Variant summary: CPT2 c.1333T>C (p.Cys445Arg) results in a non-conservative amino acid change located in the Choline/carnitine acyltransferase domain (IPR039551) of the encoded protein sequence. Four of five in-silico tools predict a benign effect of the variant on protein function. The variant was absent in 251358 control chromosomes. The available data on variant occurrences in the general population are insufficient to allow any conclusion about variant significance. c.1333T>C has been reported in the literature in the presumed compound heterozygous state in at least 1 individual affected with Carnitine Palmitoyltransferase II Deficiency (Yuasa_2019). These data do not allow any conclusion about variant significance. To our knowledge, no experimental evidence demonstrating an impact on protein function has been reported. The following publication has been ascertained in the context of this evaluation (PMID: 30881520). ClinVar contains an entry for this variant (Variation ID: 1446149). Based on the evidence outlined above, the variant was classified as uncertain significance.

Literature cited by the submitters: PubMed 30881520 (cited by Labcorp Genetics (formerly Invitae), Labcorp and Women's Health and Genetics/Laboratory Corporation of America, LabCorp).

NM_000098.3(CPT2):c.1333T>C (p.Cys445Arg)

Gene: CPT2 (carnitine palmitoyltransferase 2; plus strand). Cytogenetic location: 1p32.3.
Variant type: single nucleotide variant.
Coding change: c.1333T>C on transcript NM_000098.3 (MANE Select); coding-DNA position 1333, T replaced by C.
Protein change: p.Cys445Arg; replaces cysteine 445 with arginine.
Molecular consequence: missense variant.
Genome position (GRCh38, 1-based): chr1:53,211,007, T>C. VCF-style: chr1-53211007-T-C. GRCh37 (hg19) VCF-style: chr1-53676679-T-C.
Other names: c.1333T>C, p.Cys445Arg (NM_001330589.2); short protein forms C445R.
Identifiers: ClinVar variation 1446149 (VCV001446149.7), dbSNP rs1557718090, ClinGen allele CA340395128.